The following is an entry in ClinVar:

NM_001371986.1(UNC80):c.3730G>A (p.Val1244Met)

Genes: UNC80 (unc-80 subunit of NALCN channel complex; plus strand), LOC121725110 (Sharpr-MPRA regulatory region 8902; plus strand). Cytogenetic location: 2q34.
Variant type: single nucleotide variant.
Coding change: c.3730G>A on transcript NM_001371986.1 (MANE Select); coding-DNA position 3730, G replaced by A.
Protein change: p.Val1244Met; replaces valine 1244 with methionine.
Molecular consequence: missense variant.
Genome position (GRCh38, 1-based): chr2:209,872,860, G>A. VCF-style: chr2-209872860-G-A. GRCh37 (hg19) VCF-style: chr2-210737584-G-A.
Other names: c.3736G>A, p.Val1246Met (NM_032504.2); c.3721G>A, p.Val1241Met (NM_182587.4); short protein forms V1241M, V1244M, V1246M.
Identifiers: ClinVar variation 2786251 (VCV002786251.3), dbSNP rs1194891568, ClinGen allele CA350741928.

ClinVar aggregate classification (germline): Uncertain significance (1 of 4 stars; one submission).

Allele frequency attached by ClinVar (database versions not stated): gnomAD exomes below 0.00001.
gnomAD v4.1: 2 of 1,551,410 alleles (0.00013%); highest among the groups gnomAD compares: South Asian, 0.0012%; no homozygotes.

Submission:

Labcorp Genetics (formerly Invitae), Labcorp
Classification: Uncertain significance. Last evaluated: 2023-10-17. Review status: criteria provided, single submitter. Criteria: Invitae Variant Classification Sherloc (09022015). Collection method: clinical testing. Allele origin: germline.
Comment: This sequence change replaces valine, which is neutral and non-polar, with methionine, which is neutral and non-polar, at codon 1246 of the UNC80 protein (p.Val1246Met). This variant is present in population databases (no rsID available, gnomAD 0.004%). This variant has not been reported in the literature in individuals affected with UNC80-related conditions. An algorithm developed to predict the effect of missense changes on protein structure and function (PolyPhen-2) suggests that this variant is likely to be disruptive. In summary, the available evidence is currently insufficient to determine the role of this variant in disease. Therefore, it has been classified as a Variant of Uncertain Significance.